The following is an entry in ClinVar:

NM_000718.4(CACNA1B):c.6088C>T (p.Arg2030Cys)

Gene: CACNA1B (calcium voltage-gated channel subunit alpha1 B; plus strand). Cytogenetic location: 9q34.3.
Variant type: single nucleotide variant.
Coding change: c.6088C>T on transcript NM_000718.4 (MANE Select); coding-DNA position 6088, C replaced by T.
Protein change: p.Arg2030Cys; replaces arginine 2030 with cysteine.
Molecular consequence: missense variant.
Genome position (GRCh38, 1-based): chr9:138,120,222, C>T. VCF-style: chr9-138120222-C-T. GRCh37 (hg19) VCF-style: chr9-141014674-C-T.
Other names: c.6088C>T, p.Arg2030Cys (NM_001243812.2); c.6088C>T (NM_000718.3); short protein forms R2030C.
Identifiers: ClinVar variation 2186756 (VCV002186756.2), dbSNP rs200157606, ClinGen allele CA5377603.

ClinVar aggregate classification (germline): Uncertain significance. Review status: criteria provided, multiple submitters, no conflicts (2 of 4 stars). 2 submissions from 2 submitters: Uncertain significance (2). Last evaluated 2022-08-16.

Allele frequency attached by ClinVar (database versions not stated): ExAC 0.00007.
gnomAD v4.1: 35 of 1,608,410 alleles (0.0022%); highest among the groups gnomAD compares: Middle Eastern, 0.017%; no homozygotes.

Submissions (2):

Labcorp Genetics (formerly Invitae), Labcorp
Classification: Uncertain significance. Last evaluated: 2022-08-16. Review status: criteria provided, single submitter. Criteria: Invitae Variant Classification Sherloc (09022015). Collection method: clinical testing. Allele origin: germline.
Comment: This sequence change replaces arginine, which is basic and polar, with cysteine, which is neutral and slightly polar, at codon 2030 of the CACNA1B protein (p.Arg2030Cys). This variant is present in population databases (rs200157606, gnomAD 0.02%). This variant has not been reported in the literature in individuals affected with CACNA1B-related conditions. Advanced modeling of protein sequence and biophysical properties (such as structural, functional, and spatial information, amino acid conservation, physicochemical variation, residue mobility, and thermodynamic stability) performed at Invitae indicates that this missense variant is not expected to disrupt CACNA1B protein function. In summary, the available evidence is currently insufficient to determine the role of this variant in disease. Therefore, it has been classified as a Variant of Uncertain Significance.

Ambry Genetics
Classification: Uncertain significance. Last evaluated: 2021-09-17. Review status: criteria provided, single submitter. Criteria: Ambry Variant Classification Scheme 2023. Collection method: clinical testing. Allele origin: germline.